The following is an entry in ClinVar:

ClinVar aggregate classification (germline): Pathogenic (1 of 4 stars; one submission).

Conditions:
Marfan syndrome (MFS). Also called: MARFAN SYNDROME, TYPE I; Marfan syndrome type 1; Marfan's syndrome; Marfan syndrome, classic; FBN1-Related Marfan Syndrome. Identifiers: Orphanet 284963, Orphanet 558, MedGen C0024796, MONDO:0007947, OMIM 154700.
Familial thoracic aortic aneurysm and aortic dissection (TAAD). Also called: Thoracic aortic aneurysms and dissections. Identifiers: Orphanet 91387, MedGen C4707243, MONDO:0019625.

Submission:

Labcorp Genetics (formerly Invitae), Labcorp
Classification: Pathogenic for Marfan syndrome; Familial thoracic aortic aneurysm and aortic dissection. Last evaluated: 2021-11-06. Review status: criteria provided, single submitter. Criteria: Invitae Variant Classification Sherloc (09022015). Collection method: clinical testing. Allele origin: germline.
Comment: This variant is not present in population databases (gnomAD no frequency). For these reasons, this variant has been classified as Pathogenic. This variant disrupts the p.Cys2652 amino acid residue in FBN1. Other variant(s) that disrupt this residue have been observed in individuals with FBN1-related conditions (PMID: 11826022, 19161152, 26787436; Invitae), which suggests that this may be a clinically significant amino acid residue. This variant affects a cysteine residue in the EGF-like, TGFBP or hybrid motif domains of FBN1. Cysteine residues are believed to be involved in intramolecular disulfide bridges and have been shown to be important for FBN1 protein structure (PMID: 16905551, 19349279). In addition, missense substitutions affecting cysteine residues within these domains are significantly overrepresented among patients with Marfan syndrome (PMID: 16571647, 17701892). Advanced modeling of protein sequence and biophysical properties (such as structural, functional, and spatial information, amino acid conservation, physicochemical variation, residue mobility, and thermodynamic stability) performed at Invitae indicates that this missense variant is expected to disrupt FBN1 protein function. This variant has not been reported in the literature in individuals affected with FBN1-related conditions. This sequence change replaces cysteine, which is neutral and slightly polar, with serine, which is neutral and polar, at codon 2652 of the FBN1 protein (p.Cys2652Ser).

Literature cited by the submitters: PubMed 11826022; PubMed 19161152; PubMed 26787436; PubMed 16905551; PubMed 19349279; PubMed 16571647; PubMed 17701892.

NM_000138.5(FBN1):c.7954T>A (p.Cys2652Ser)

Gene: FBN1 (fibrillin 1; minus strand). Cytogenetic location: 15q21.1.
Variant type: single nucleotide variant.
Coding change: c.7954T>A on transcript NM_000138.5 (MANE Select); coding-DNA position 7954, T replaced by A.
Protein change: p.Cys2652Ser; replaces cysteine 2652 with serine.
Molecular consequence: missense variant.
Genome position (GRCh38, 1-based): chr15:48,415,633, A>T on the plus strand (T>A on the coding strand, the complement: FBN1 is on the minus strand). VCF-style: chr15-48415633-A-T. GRCh37 (hg19) VCF-style: chr15-48707830-A-T.
Other names: short protein forms C2652S.
Identifiers: ClinVar variation 1452826 (VCV001452826.6), dbSNP rs1555393858, ClinGen allele CA392322973.